The following is an entry in ClinVar:

ClinVar aggregate classification (germline): Uncertain significance. Review status: criteria provided, multiple submitters, no conflicts (2 of 4 stars). 3 submissions from 3 submitters: Uncertain significance (3). Last evaluated 2024-03-27.

Conditions:
Hereditary cancer-predisposing syndrome. Also called: Hereditary neoplastic syndrome; Tumor predisposition; Neoplastic Syndromes, Hereditary; Hereditary Cancer Syndrome. Identifiers: Orphanet 140162, MedGen C0027672, MeSH D009386, MONDO:0015356.
Hereditary breast ovarian cancer syndrome. Also called: Hereditary breast and ovarian cancer; Hereditary breast and/or ovarian cancer syndrome; Hereditary breast and ovarian cancer syndrome; Hereditary breast and ovarian cancer syndrome (HBOC); Breast and ovarian cancer; BRCA1- and BRCA2-Associated Hereditary Breast and Ovarian Cancer. Identifiers: Orphanet 145, MedGen C0677776, MeSH D061325, MONDO:0003582. Disease mechanism: loss of function.

Allele frequency attached by ClinVar (database versions not stated): TOPMed below 0.00001.

Submissions (3):

Ambry Genetics
Classification: Uncertain significance for Hereditary cancer-predisposing syndrome. Last evaluated: 2024-03-27. Review status: criteria provided, single submitter. Criteria: Ambry Variant Classification Scheme 2023. Collection method: clinical testing. Allele origin: germline.
Comment: The p.P202L variant (also known as c.605C>T), located in coding exon 6 of the BRCA2 gene, results from a C to T substitution at nucleotide position 605. The proline at codon 202 is replaced by leucine, an amino acid with similar properties. This amino acid position is highly conserved in available vertebrate species. In addition, this alteration is predicted to be tolerated by in silico analysis. Since supporting evidence is limited at this time, the clinical significance of this alteration remains unclear.

Labcorp Genetics (formerly Invitae), Labcorp
Classification: Uncertain significance for Hereditary breast ovarian cancer syndrome. Last evaluated: 2023-11-08. Review status: criteria provided, single submitter. Criteria: Invitae Variant Classification Sherloc (09022015). Collection method: clinical testing. Allele origin: germline.
Comment: This sequence change replaces proline, which is neutral and non-polar, with leucine, which is neutral and non-polar, at codon 202 of the BRCA2 protein (p.Pro202Leu). This variant is not present in population databases (gnomAD no frequency). This variant has not been reported in the literature in individuals affected with BRCA2-related conditions. ClinVar contains an entry for this variant (Variation ID: 419179). Advanced modeling of protein sequence and biophysical properties (such as structural, functional, and spatial information, amino acid conservation, physicochemical variation, residue mobility, and thermodynamic stability) performed at Invitae indicates that this missense variant is not expected to disrupt BRCA2 protein function with a negative predictive value of 95%. In summary, the available evidence is currently insufficient to determine the role of this variant in disease. Therefore, it has been classified as a Variant of Uncertain Significance.

GeneDx
Classification: Uncertain significance. Last evaluated: 2015-06-02. Review status: criteria provided, single submitter. Criteria: GeneDx Variant Classification (06012015). Collection method: clinical testing. Allele origin: germline. Affected: yes.
Comment: This variant is denoted BRCA2 c.605C>T at the cDNA level, p.Pro202Leu (P202L) at the protein level, and results in the change of a Proline to a Leucine (CCC>CTC). Using alternate nomenclature, this variant would be defined as BRCA2 833C>T. This variant has not, to our knowledge, been published in the literature as pathogenic or benign. BRCA2 Pro202Leu was not observed in approximately 6,500 individuals of European and African American ancestry in the NHLBI Exome Sequencing Project, indicating it is not a common benign variant in these populations. Since Proline and Leucine differ in some properties, this is considered a semi-conservative amino acid substitution. BRCA2 Pro202Leu occurs at a position that is conserved across species and is not located in a known functional domain (Roy 2012, Borg 2010). In silico analyses predict that this variant is probably damaging to protein structure and function. Based on currently available information, it is unclear whether BRCA2 Pro202Leu is pathogenic or benign. We consider it to be a variant of uncertain significance.

NM_000059.4(BRCA2):c.605C>T (p.Pro202Leu)

Gene: BRCA2 (BRCA2 DNA repair associated; plus strand). Cytogenetic location: 13q13.1.
Variant type: single nucleotide variant.
Coding change: c.605C>T on transcript NM_000059.4 (MANE Select); coding-DNA position 605, C replaced by T.
Protein change: p.Pro202Leu; replaces proline 202 with leucine.
Molecular consequence: missense variant.
Genome position (GRCh38, 1-based): chr13:32,326,587, C>T. VCF-style: chr13-32326587-C-T. GRCh37 (hg19) VCF-style: chr13-32900724-C-T.
Other names: short protein forms P202L.
Identifiers: ClinVar variation 419179 (VCV000419179.16), dbSNP rs1064793699, ClinGen allele CA16619646.